The following is an entry in ClinVar:

NM_000059.4(BRCA2):c.4322_4323del (p.Glu1441fs)

Gene: BRCA2 (BRCA2 DNA repair associated; plus strand). Cytogenetic location: 13q13.1.
Variant type: Microsatellite.
Coding change: c.4322_4323del on transcript NM_000059.4 (MANE Select); coding-DNA positions 4322 to 4323, 2 bases deleted (AG; older notation c.4322_4323delAG).
Protein change: p.Glu1441fs; shifts the reading frame from glutamic acid 1441.
Molecular consequence: frameshift variant.
Genome position (GRCh38, 1-based): chr13:32,338,677-32,338,678, AG deleted; deleting any 2 consecutive bases within chr13:32,338,675-32,338,678 gives the same sequence; the c. name uses the placement nearest the transcript's 3' end. VCF-style (leftmost placement, unchanged base first): chr13-32338674-AAG-A. GRCh37 (hg19) VCF-style: chr13-32912811-AAG-A.
Other names: c.4322_4323delAG (NM_000059.4); c.4322_4323del (NM_000059.3); short protein forms E1441fs.
Identifiers: ClinVar variation 824793 (VCV000824793.17), dbSNP rs1593902043, ClinGen allele CA915948461.
Genomic context (GRCh38, chr13:32,338,674, plus strand): 5'-ATTTTGAGACTTCTGATACATTTTTTCAGACTGCAAGTGGGAAAAATATTAGTGTCGCCA[AAG>A]AGTCATTTAATAAAATTGTAAATTTCTTTGATCAGAAACCAGAAGAATTGCATAACTTTT-3'

ClinVar aggregate classification (germline): Pathogenic/Likely pathogenic. Review status: criteria provided, multiple submitters, no conflicts (2 of 4 stars). 6 submissions from 6 submitters: Pathogenic (4); Likely pathogenic (2). Last evaluated 2025-12-19.

Conditions:
BRCA2-related disorder. Also called: BRCA2-related condition; BRCA2-related disorders. Identifiers: MedGen CN239275.
Hereditary cancer-predisposing syndrome. Also called: Neoplastic Syndromes, Hereditary; Tumor predisposition; Hereditary Cancer Syndrome; Hereditary neoplastic syndrome. Identifiers: Orphanet 140162, MedGen C0027672, MeSH D009386, MONDO:0015356.
Hereditary breast ovarian cancer syndrome. Also called: Hereditary breast and ovarian cancer; Hereditary breast and/or ovarian cancer syndrome; BRCA1- and BRCA2-Associated Hereditary Breast and Ovarian Cancer; Breast and ovarian cancer; Hereditary breast and ovarian cancer syndrome; Hereditary breast and ovarian cancer syndrome (HBOC). Identifiers: Orphanet 145, MedGen C0677776, MeSH D061325, MONDO:0003582. Disease mechanism: loss of function.
Breast-ovarian cancer, familial, susceptibility to, 2 (BROVCA2). Also called: BRCA2 Hereditary Breast and Ovarian Cancer. Identifiers: Orphanet 145, MedGen C2675520, MONDO:0012933, OMIM 612555. Disease mechanism: loss of function.

Submissions (6):

Ambry Genetics
Classification: Pathogenic for Hereditary cancer-predisposing syndrome. Last evaluated: 2025-12-19. Review status: criteria provided, single submitter. Criteria: Ambry Variant Classification Scheme 2023. Collection method: clinical testing. Allele origin: germline.
Comment: The c.4322_4323delAG pathogenic mutation, located in coding exon 10 of the BRCA2 gene, results from a deletion of two nucleotides at nucleotide positions 4322 to 4323, causing a translational frameshift with a predicted alternate stop codon (p.E1441Vfs*3). This variant is considered to be rare based on population cohorts in the Genome Aggregation Database (gnomAD). This alteration is expected to result in loss of function by premature protein truncation or nonsense-mediated mRNA decay. As such, this alteration is interpreted as a disease-causing mutation.

Labcorp Genetics (formerly Invitae), Labcorp
Classification: Pathogenic for Hereditary breast ovarian cancer syndrome. Last evaluated: 2025-09-22. Review status: criteria provided, single submitter. Criteria: Invitae Variant Classification Sherloc (09022015). Collection method: clinical testing. Allele origin: germline.
Comment: This sequence change creates a premature translational stop signal (p.Glu1441Valfs*3) in the BRCA2 gene. It is expected to result in an absent or disrupted protein product. Loss-of-function variants in BRCA2 are known to be pathogenic (PMID: 20104584). This variant is not present in population databases (gnomAD no frequency). This variant has not been reported in the literature in individuals affected with BRCA2-related conditions. ClinVar contains an entry for this variant (Variation ID: 824793). For these reasons, this variant has been classified as Pathogenic.

Women's Health and Genetics/Laboratory Corporation of America, LabCorp
Classification: Pathogenic for Hereditary breast ovarian cancer syndrome. Last evaluated: 2025-05-09. Review status: criteria provided, single submitter. Criteria: LabCorp Variant Classification Summary - May 2015. Collection method: clinical testing. Allele origin: germline.
Comment: Variant summary: BRCA2 c.4322_4323delAG (p.Glu1441ValfsX3) results in a premature termination codon, predicted to cause a truncation of the encoded protein or absence of the protein due to nonsense mediated decay, which are commonly known mechanisms for disease. The variant was absent in 242688 control chromosomes. c.4322_4323delAG has been observed in individual(s) affected with Hereditary Breast And Ovarian Cancer Syndrome (example: Kechin_2023). To our knowledge, no experimental evidence demonstrating an impact on protein function has been reported. The following publications have been ascertained in the context of this evaluation (PMID: 36367610, 36113475). ClinVar contains an entry for this variant (Variation ID: 824793). Based on the evidence outlined above, the variant was classified as pathogenic.

Quest Diagnostics Nichols Institute San Juan Capistrano
Classification: Likely pathogenic. Last evaluated: 2020-11-10. Review status: criteria provided, single submitter. Criteria: Quest Diagnostics criteria. Collection method: clinical testing. Allele origin: unknown.
Comment: This frameshift variant is predicted to cause the premature termination of BRCA2 protein synthesis. To the best of our knowledge, the variant has not been reported in the published literature. This variant has not been reported in large, multi-ethnic general populations. Based on the available information, we predict that the variant is likely pathogenic.

Blueprint Genetics
Classification: Likely pathogenic for BRCA2-related disorders. Last evaluated: 2019-09-25. Review status: criteria provided, single submitter. Criteria: ACMG Guidelines, 2015. Collection method: clinical testing. Allele origin: germline. Affected: yes. Observed: 1 variant allele.

Genesis Genomics
Classification: Pathogenic for Breast-ovarian cancer, familial, susceptibility to, 2. Review status: criteria provided, single submitter. Criteria: ACMG Guidelines, 2015. Collection method: clinical testing. Allele origin: germline. Affected: yes. Observed: 1 variant allele.

Literature cited by the submitters: PubMed 20104584 (cited by Labcorp Genetics (formerly Invitae), Labcorp); PubMed 36367610 (cited by Women's Health and Genetics/Laboratory Corporation of America, LabCorp); PubMed 36113475 (cited by Women's Health and Genetics/Laboratory Corporation of America, LabCorp).